The following is an entry in ClinVar:

ClinVar aggregate classification (germline): Pathogenic (1 of 4 stars; one submission).

Conditions:
Cerebral folate transport deficiency. Also called: Cerebral folate deficiency syndrome; Neurodegenerative syndrome due to cerebral folate transport deficiency; NEURODEGENERATION DUE TO CEREBRAL FOLATE TRANSPORT DEFICIENCY; FOLR1-Related Cerebral Folate Transport Deficiency; FOLATE RECEPTOR DEFICIENCY. Identifiers: Orphanet 217382, MedGen C2751584, MONDO:0013110, OMIM 613068. Disease mechanism: loss of function.

Submission:

Labcorp Genetics (formerly Invitae), Labcorp
Classification: Pathogenic for Cerebral folate transport deficiency. Last evaluated: 2023-06-14. Review status: criteria provided, single submitter. Criteria: Invitae Variant Classification Sherloc (09022015). Collection method: clinical testing. Allele origin: germline.
Comment: This variant has not been reported in the literature in individuals affected with FOLR1-related conditions. This sequence change creates a premature translational stop signal (p.Asn112Profs*30) in the FOLR1 gene. It is expected to result in an absent or disrupted protein product. Loss-of-function variants in FOLR1 are known to be pathogenic (PMID: 19732866, 22586289). This variant is present in population databases (no rsID available, gnomAD 0.007%). ClinVar contains an entry for this variant (Variation ID: 1459749). For these reasons, this variant has been classified as Pathogenic.

Literature cited by the submitters: PubMed 19732866; PubMed 22586289.

NM_016729.3(FOLR1):c.330_333dup (p.Asn112fs)

Genes: FOLR1 (folate receptor alpha; plus strand), FOLR1-AS1 (FOLR1 antisense RNA 1; minus strand). Cytogenetic location: 11q13.4.
Variant type: Duplication.
Coding change: c.330_333dup on transcript NM_016729.3 (MANE Select); coding-DNA positions 330 to 333, 4 bases duplicated (CCCC; older notation c.330_333dupCCCC).
Protein change: p.Asn112fs; shifts the reading frame from asparagine 112.
Molecular consequence: frameshift variant.
Genome position (GRCh38, 1-based): chr11:72,195,432-72,195,435, CCCC duplicated; duplicating any 4 consecutive bases within chr11:72,195,431-72,195,435 gives the same sequence; the c. name uses the placement nearest the transcript's 3' end. VCF-style (leftmost placement, unchanged base first): chr11-72195430-T-TCCCC. GRCh37 (hg19) VCF-style: chr11-71906474-T-TCCCC.
Other names: c.330_333dup, p.Asn112fs (NM_000802.3, NM_016724.3, NM_016725.3); short protein forms N112fs.
Identifiers: ClinVar variation 1459749 (VCV001459749.7), dbSNP rs767252235, ClinGen allele CA600242812.